The following is an entry in ClinVar:

NM_020166.5(MCCC1):c.267A>C (p.Val89=)

Gene: MCCC1 (methylcrotonyl-CoA carboxylase subunit 1; minus strand). Cytogenetic location: 3q27.1.
Variant type: single nucleotide variant.
Coding change: c.267A>C on transcript NM_020166.5 (MANE Select); coding-DNA position 267, A replaced by C.
Protein change: p.Val89=; no amino-acid change (valine 89 retained).
Molecular consequence: synonymous variant. On other transcripts: non-coding transcript variant (1), intron variant (2).
Genome position (GRCh38, 1-based): chr3:183,092,415, T>G on the plus strand (A>C on the coding strand, the complement: MCCC1 is on the minus strand). VCF-style: chr3-183092415-T-G. GRCh37 (hg19) VCF-style: chr3-182810203-T-G.
Other names: c.-55+2144A>C (NM_001363880.1); c.44+2144A>C (NM_001293273.2).
Identifiers: ClinVar variation 382074 (VCV000382074.26), dbSNP rs369138447, ClinGen allele CA2719157.

ClinVar aggregate classification (germline): Likely benign. Review status: criteria provided, multiple submitters, no conflicts (2 of 4 stars). 3 submissions from 3 submitters: Likely benign (3). Last evaluated 2025-12-15.

Conditions:
3-methylcrotonyl-CoA carboxylase 1 deficiency (MCC1D). Also called: MCCD TYPE 1; METHYLCROTONYLGLYCINURIA TYPE I; MCC 1 deficiency; 3 Alpha methylcrotonylglycinuria 1. Identifiers: Orphanet 6, MedGen CN028786, MONDO:0008861, OMIM 210200.

Allele frequency attached by ClinVar (database versions not stated): gnomAD exomes 0.00002 and 0.00010; ExAC 0.00011; ESP Exome Variant Server 0.00015; 1000 Genomes Project 30x 0.00016; 1000 Genomes Project 0.00020; TOPMed 0.00028; gnomAD 0.00036 and 0.00037.
gnomAD v4.1: 91 of 1,614,188 alleles (0.0056%); highest among the groups gnomAD compares: African/African-American, 0.11%; 1 homozygote.

Submissions (3):

Labcorp Genetics (formerly Invitae), Labcorp
Classification: Likely benign for 3-methylcrotonyl-CoA carboxylase 1 deficiency. Last evaluated: 2025-12-15. Review status: criteria provided, single submitter. Criteria: Invitae Variant Classification Sherloc (09022015). Collection method: clinical testing. Allele origin: germline.

CeGaT Center for Human Genetics Tuebingen
Classification: Likely benign. Last evaluated: 2024-09-01. Review status: criteria provided, single submitter. Criteria: CeGaT Center For Human Genetics Tuebingen Variant Classification Criteria Version 2. Collection method: clinical testing. Allele origin: germline. Affected: yes. Observed: 1 variant allele.
Comment: MCCC1: BP4, BP7

GeneDx
Classification: Likely benign. Last evaluated: 2016-01-28. Review status: criteria provided, single submitter. Criteria: GeneDx Variant Classification (06012015). Collection method: clinical testing. Allele origin: germline. Affected: yes.
Comment: This variant is considered likely benign or benign based on one or more of the following criteria: it is a conservative change, it occurs at a poorly conserved position in the protein, it is predicted to be benign by multiple in silico algorithms, and/or has population frequency not consistent with disease.